The following is an entry in ClinVar:

NM_031407.7(HUWE1):c.5716+5G>T

Gene: HUWE1 (HECT, UBA and WWE domain containing E3 ubiquitin protein ligase 1; minus strand). Cytogenetic location: Xp11.22.
Variant type: single nucleotide variant.
Coding change: c.5716+5G>T on transcript NM_031407.7 (MANE Select); 5 bases into the intron after coding-DNA position 5716, G replaced by T.
Molecular consequence: intron variant.
Genome position (GRCh38, 1-based): chrX:53,580,826, C>A on the plus strand (G>T on the coding strand, the complement: HUWE1 is on the minus strand). VCF-style: chrX-53580826-C-A. GRCh37 (hg19) VCF-style: chrX-53607786-C-A.
Identifiers: ClinVar variation 3340848 (VCV003340848.1).

ClinVar aggregate classification (germline): Uncertain significance (1 of 4 stars; one submission).

Submission:

GeneDx
Classification: Uncertain significance. Last evaluated: 2023-06-16. Review status: criteria provided, single submitter. Criteria: GeneDx Variant Classification Process June 2021. Collection method: clinical testing. Allele origin: germline. Affected: yes.
Comment: Not observed at significant frequency in large population cohorts (gnomAD); In silico analysis supports that this variant does not alter splicing; Has not been previously published as pathogenic or benign to our knowledge